The following is an entry in ClinVar:

NC_000023.10:g.(?_73641453)_(73751408_?)dup

Genes: SLC16A2 (solute carrier family 16 member 2; plus strand), LOC130068443 (ATAC-STARR-seq lymphoblastoid active region 29766; plus strand). Cytogenetic location: Xq13.2.
Variant type: Duplication.
Identifiers: ClinVar variation 584120 (VCV000584120.1).

ClinVar aggregate classification (germline): Uncertain significance (1 of 4 stars; one submission).

Conditions:
Spastic paraplegia. Identifiers: MedGen C0037772, HP:0001258.

Submission:

Labcorp Genetics (formerly Invitae), Labcorp
Classification: Uncertain significance for Spastic paraplegia. Last evaluated: 2018-01-17. Review status: criteria provided, single submitter. Criteria: Invitae Variant Classification Sherloc (09022015). Collection method: clinical testing. Allele origin: germline.
Comment: A gross duplication of the genomic region encompassing the full coding sequence of the SLC16A2 gene has been identified. The boundaries of this event are unknown as the duplication extends beyond the assayed region for this gene and therefore may encompass additional genes. As the precise location of this duplication is unknown, it may be in tandem or it may be located elsewhere in the genome. This variant has not been reported in the literature in individuals with SLC16A2-related disease. Experimental studies and prediction algorithms are not available for this variant, and the functional significance of this duplication is currently unknown. In summary, the available evidence is currently insufficient to determine the role of this variant in disease. Therefore, it has been classified as a Variant of Uncertain Significance.